The following is an entry in ClinVar:

ClinVar aggregate classification (germline): Uncertain significance (1 of 4 stars; one submission).

Conditions:
Inborn genetic diseases. Identifiers: MedGen C0950123, MeSH D030342.

Submission:

Ambry Genetics
Classification: Uncertain significance for Inborn genetic diseases. Last evaluated: 2026-03-06. Review status: criteria provided, single submitter. Criteria: Ambry Variant Classification Scheme 2023. Collection method: clinical testing. Allele origin: germline.
Comment: The c.1364-17T>G intronic alteration consists of a T to G substitution 17 nucleotides before exon 13 (coding exon 13) in the ANKRD26 gene. This variant was not reported in population-based cohorts in the Genome Aggregation Database (gnomAD). This nucleotide position is well conserved in available vertebrate species. In silico splice site analysis predicts that this alteration may weaken the native splice acceptor site. Based on insufficient or conflicting evidence, the clinical significance of this alteration remains unclear.

NM_014915.3(ANKRD26):c.1364-17T>G

Gene: ANKRD26 (ankyrin repeat domain 26; minus strand). Cytogenetic location: 10p12.1.
Variant type: single nucleotide variant.
Coding change: c.1364-17T>G on transcript NM_014915.3 (MANE Select); 17 bases into the intron before coding-DNA position 1364, T replaced by G.
Molecular consequence: intron variant.
Genome position (GRCh38, 1-based): chr10:27,061,259, A>C on the plus strand (T>G on the coding strand, the complement: ANKRD26 is on the minus strand). VCF-style: chr10-27061259-A-C. GRCh37 (hg19) VCF-style: chr10-27350188-A-C.
Other names: c.1364-17T>G (NM_001256053.2).
Identifiers: ClinVar variation 4840460 (VCV004840460.1).